The following is an entry in ClinVar:

ClinVar aggregate classification (germline): Uncertain significance. Review status: criteria provided, multiple submitters, no conflicts (2 of 4 stars). 3 submissions from 3 submitters: Uncertain significance (3). Last evaluated 2025-09-27.

Conditions:
Hyperaldosteronism, familial, type IV (HALD4). Also called: FH IV; ALDOSTERONISM, PRIMARY, AND HYPERTENSION. Identifiers: Orphanet 642671, MedGen C4310756, MONDO:0014875, OMIM 617027.
Idiopathic generalized epilepsy. Also called: EIG; Generalised epilepsy. Identifiers: MedGen C0270850, MONDO:0005579, OMIM 600669.
Epilepsy, childhood absence, susceptibility to, 6. Identifiers: Orphanet 64280, MedGen C2749872, MONDO:0012763, OMIM 611942.
Inborn genetic diseases. Identifiers: MedGen C0950123, MeSH D030342.

gnomAD v4.1: 3 of 1,612,414 alleles (0.00019%); highest among the groups gnomAD compares: Admixed American, 0.005%; no homozygotes.

Submissions (3):

Labcorp Genetics (formerly Invitae), Labcorp
Classification: Uncertain significance for Idiopathic generalized epilepsy; Hyperaldosteronism, familial, type IV. Last evaluated: 2025-09-27. Review status: criteria provided, single submitter. Criteria: Invitae Variant Classification Sherloc (09022015). Collection method: clinical testing. Allele origin: germline.
Comment: This sequence change replaces leucine, which is neutral and non-polar, with methionine, which is neutral and non-polar, at codon 825 of the CACNA1H protein (p.Leu825Met). This variant is not present in population databases (gnomAD no frequency). This variant has not been reported in the literature in individuals affected with CACNA1H-related conditions. ClinVar contains an entry for this variant (Variation ID: 3136383). Invitae Evidence Modeling of protein sequence and biophysical properties (such as structural, functional, and spatial information, amino acid conservation, physicochemical variation, residue mobility, and thermodynamic stability) indicates that this missense variant is expected to disrupt CACNA1H protein function with a positive predictive value of 80%. In summary, the available evidence is currently insufficient to determine the role of this variant in disease. Therefore, it has been classified as a Variant of Uncertain Significance.

Fulgent Genetics
Classification: Uncertain significance for Epilepsy, childhood absence, susceptibility to, 6; Hyperaldosteronism, familial, type IV. Last evaluated: 2024-05-16. Review status: criteria provided, single submitter. Criteria: ACMG Guidelines, 2015. Collection method: clinical testing. Allele origin: germline.

Ambry Genetics
Classification: Uncertain significance for Inborn genetic diseases. Last evaluated: 2024-02-28. Review status: criteria provided, single submitter. Criteria: Ambry Variant Classification Scheme 2023. Collection method: clinical testing. Allele origin: germline.

NM_021098.3(CACNA1H):c.2473C>A (p.Leu825Met)

Gene: CACNA1H (calcium voltage-gated channel subunit alpha1 H; plus strand). Cytogenetic location: 16p13.3.
Variant type: single nucleotide variant.
Coding change: c.2473C>A on transcript NM_021098.3 (MANE Select); coding-DNA position 2473, C replaced by A.
Protein change: p.Leu825Met; replaces leucine 825 with methionine.
Molecular consequence: missense variant.
Genome position (GRCh38, 1-based): chr16:1,205,135, C>A. VCF-style: chr16-1205135-C-A. GRCh37 (hg19) VCF-style: chr16-1255135-C-A.
Other names: c.2473C>A, p.Leu825Met (NM_001005407.2); short protein forms L825M.
Identifiers: ClinVar variation 3136383 (VCV003136383.3), dbSNP rs1451005461, ClinGen allele CA394167306.